The following is an entry in ClinVar:

NM_017617.5(NOTCH1):c.2074A>G (p.Thr692Ala)

Gene: NOTCH1 (notch receptor 1; minus strand). Cytogenetic location: 9q34.3.
Variant type: single nucleotide variant.
Coding change: c.2074A>G on transcript NM_017617.5 (MANE Select); coding-DNA position 2074, A replaced by G.
Protein change: p.Thr692Ala; replaces threonine 692 with alanine.
Molecular consequence: missense variant.
Genome position (GRCh38, 1-based): chr9:136,514,643, T>C on the plus strand (A>G on the coding strand, the complement: NOTCH1 is on the minus strand). VCF-style: chr9-136514643-T-C. GRCh37 (hg19) VCF-style: chr9-139409095-T-C.
Other names: short protein forms T692A.
Identifiers: ClinVar variation 1254299 (VCV001254299.14), dbSNP rs1385815860, ClinGen allele CA375558793.

ClinVar aggregate classification (germline): Uncertain significance. Review status: criteria provided, multiple submitters, no conflicts (2 of 4 stars). 7 submissions from 6 submitters: Uncertain significance (7). Last evaluated 2026-01-04.

Conditions:
Adams-Oliver syndrome 5 (AOS5). Identifiers: Orphanet 974, MedGen C4014970, MONDO:0014459, OMIM 616028.
Familial thoracic aortic aneurysm and aortic dissection (TAAD). Also called: Thoracic aortic aneurysms and dissections. Identifiers: Orphanet 91387, MedGen C4707243, MONDO:0019625.
Aortic valve disease 1 (AOVD1). Identifiers: MedGen C3887892, MONDO:0024523, OMIM 109730.

Allele frequency attached by ClinVar (database versions not stated): gnomAD exomes below 0.00001; gnomAD 0.00001; TOPMed 0.00002.
gnomAD v4.1: 11 of 1,612,310 alleles (0.00068%); highest among the groups gnomAD compares: Non-Finnish European, 0.000085%; no homozygotes.

Submissions (7):

Labcorp Genetics (formerly Invitae), Labcorp
Classification: Uncertain significance for Adams-Oliver syndrome 5. Last evaluated: 2026-01-04. Review status: criteria provided, single submitter. Criteria: Invitae Variant Classification Sherloc (09022015). Collection method: clinical testing. Allele origin: germline.
Comment: This sequence change replaces threonine, which is neutral and polar, with alanine, which is neutral and non-polar, at codon 692 of the NOTCH1 protein (p.Thr692Ala). This variant is not present in population databases (gnomAD no frequency). This variant has not been reported in the literature in individuals affected with NOTCH1-related conditions. ClinVar contains an entry for this variant (Variation ID: 1254299). Invitae Evidence Modeling of protein sequence and biophysical properties (such as structural, functional, and spatial information, amino acid conservation, physicochemical variation, residue mobility, and thermodynamic stability) indicates that this missense variant is not expected to disrupt NOTCH1 protein function with a negative predictive value of 80%. In summary, the available evidence is currently insufficient to determine the role of this variant in disease. Therefore, it has been classified as a Variant of Uncertain Significance.

Ambry Genetics
Classification: Uncertain significance for Familial thoracic aortic aneurysm and aortic dissection. Last evaluated: 2025-04-01. Review status: criteria provided, single submitter. Criteria: Ambry Variant Classification Scheme 2023. Collection method: clinical testing. Allele origin: germline.

Genome-Nilou Lab
Classification: Uncertain significance for Adams-Oliver syndrome 5. Last evaluated: 2022-03-15. Review status: criteria provided, single submitter. Criteria: ACMG Guidelines, 2015. Collection method: clinical testing. Allele origin: germline. Affected: no.

Genome-Nilou Lab
Classification: Uncertain significance for Aortic valve disease 1. Last evaluated: 2022-03-15. Review status: criteria provided, single submitter. Criteria: ACMG Guidelines, 2015. Collection method: clinical testing. Allele origin: germline. Affected: no.

Blueprint Genetics
Classification: Uncertain significance. Last evaluated: 2021-04-13. Review status: criteria provided, single submitter. Criteria: ACMG Guidelines, 2015. Collection method: clinical testing. Allele origin: germline.

GeneDx
Classification: Uncertain significance. Last evaluated: 2021-01-12. Review status: criteria provided, single submitter. Criteria: GeneDx Variant Classification Process June 2021. Collection method: clinical testing. Allele origin: germline. Affected: yes.
Comment: Has not been previously published as pathogenic or benign to our knowledge; Not observed in large population cohorts (Lek et al., 2016); In silico analysis supports that this missense variant has a deleterious effect on protein structure/function

CHEO Genetics Diagnostic Laboratory, Children's Hospital of Eastern Ontario
Classification: Uncertain significance for Familial thoracic aortic aneurysm and aortic dissection. Last evaluated: 2019-08-09. Review status: criteria provided, single submitter. Criteria: ACMG Guidelines, 2015. Collection method: clinical testing. Allele origin: germline.